The following is an entry in ClinVar:

ClinVar aggregate classification (germline): Uncertain significance. Review status: criteria provided, multiple submitters, no conflicts (2 of 4 stars). 2 submissions from 2 submitters: Uncertain significance (2). Last evaluated 2025-05-16.

Conditions:
Marfan syndrome (MFS). Also called: MARFAN SYNDROME, TYPE I; Marfan syndrome type 1; Marfan's syndrome; Marfan syndrome, classic; FBN1-Related Marfan Syndrome. Identifiers: Orphanet 284963, Orphanet 558, MedGen C0024796, MONDO:0007947, OMIM 154700.

Allele frequency attached by ClinVar (database versions not stated): gnomAD exomes below 0.00001; ExAC 0.00001.
gnomAD v4.1: 1 of 1,614,214 alleles (0.000062%); highest among the groups gnomAD compares: Non-Finnish European, 0.000085%; no homozygotes.

Submissions (2):

GeneDx
Classification: Uncertain significance. Last evaluated: 2025-05-16. Review status: criteria provided, single submitter. Criteria: GeneDx Variant Classification Process June 2021. Collection method: clinical testing. Allele origin: germline. Affected: yes.
Comment: Not observed at significant frequency in large population cohorts (gnomAD); In silico analysis supports that this missense variant has a deleterious effect on protein structure/function; Has not been previously published as pathogenic or benign to our knowledge; Does not affect a cysteine or calcium-binding residue within an EGF-like domain or a TGF-binding protein domain of the FBN1 gene; cysteine substitutions in the EGF-like domains represent the majority of pathogenic missense changes associated with FBN1-related disorders (PMID: 12938084); This variant is associated with the following publications: (PMID: 12938084)

All of Us Research Program, National Institutes of Health
Classification: Uncertain significance for Marfan syndrome. Last evaluated: 2023-08-15. Review status: criteria provided, single submitter. Criteria: ACMG Guidelines, 2015. Collection method: clinical testing. Allele origin: germline. Inheritance: Autosomal dominant inheritance. Observed: 1 variant allele, 1 heterozygote.
Comment: This study involves interpretation of variants in research participants for the purpose of population health screening. Participant phenotype was not available at the time of variant classification. Additional details can be found in publication PMID: 35346344, PMCID: PMC8962531

NM_000138.5(FBN1):c.4107T>A (p.Asn1369Lys)

Gene: FBN1 (fibrillin 1; minus strand). Cytogenetic location: 15q21.1.
Variant type: single nucleotide variant.
Coding change: c.4107T>A on transcript NM_000138.5 (MANE Select); coding-DNA position 4107, T replaced by A.
Protein change: p.Asn1369Lys; replaces asparagine 1369 with lysine.
Molecular consequence: missense variant.
Genome position (GRCh38, 1-based): chr15:48,474,358, A>T on the plus strand (T>A on the coding strand, the complement: FBN1 is on the minus strand). VCF-style: chr15-48474358-A-T. GRCh37 (hg19) VCF-style: chr15-48766555-A-T.
Other names: c.4107T>A, p.Asn1369Lys (NM_001406716.1); short protein forms N1369K.
Identifiers: ClinVar variation 3072829 (VCV003072829.2), dbSNP rs765588220, ClinGen allele CA052096.